The following is an entry in ClinVar:

ClinVar aggregate classification (germline): Uncertain significance (0 of 4 stars; one submission).

Conditions:
Glanzmann thrombasthenia 1 (GT1). Also called: BLEEDING DISORDER, PLATELET-TYPE, 2; GP IIb-IIIa COMPLEX DEFICIENCY; GLYCOPROTEIN COMPLEX IIb-IIIa DEFICIENCY; PLATELET FIBRINOGEN RECEPTOR DEFICIENCY. Identifiers: MedGen CN300358, MONDO:0031332, OMIM 273800.

Allele frequency attached by ClinVar (database versions not stated): gnomAD exomes below 0.00001 and 0.00001; TOPMed below 0.00001; gnomAD 0.00001.
gnomAD v4.1: 10 of 1,614,044 alleles (0.00062%); highest among the groups gnomAD compares: Non-Finnish European, 0.00085%; no homozygotes.

Submission:

ISTH-SSC Genomics in Thrombosis and Hemostasis, KU Leuven, Center for Molecular and Vascular Biology
Classification: Uncertain significance for Glanzmann thrombasthenia 1. Review status: no assertion criteria provided. Collection method: research. Allele origin: unknown. Affected: yes.
Comment: Submitted to GoldVariant by Neil Morgan from Birmingham Platelet Group, Birmingham, UK

NM_000419.5(ITGA2B):c.2417G>A (p.Ser806Asn)

Gene: ITGA2B (integrin subunit alpha 2b; minus strand). Cytogenetic location: 17q21.31.
Variant type: single nucleotide variant.
Coding change: c.2417G>A on transcript NM_000419.5 (MANE Select); coding-DNA position 2417, G replaced by A.
Protein change: p.Ser806Asn; replaces serine 806 with asparagine.
Molecular consequence: missense variant.
Genome position (GRCh38, 1-based): chr17:44,376,116, C>T on the plus strand (G>A on the coding strand, the complement: ITGA2B is on the minus strand). VCF-style: chr17-44376116-C-T. GRCh37 (hg19) VCF-style: chr17-42453484-C-T.
Other names: short protein forms S806N.
Identifiers: ClinVar variation 1684318 (VCV001684318.1), dbSNP rs1189791675, ClinGen allele CA399796044.
Genomic context (GRCh38, chr17:44,376,116, plus strand): 5'-CCAGCCAGGGACGCGAGGCTCCCCAATACCTCATAGGTGTGCTCCACTTTGGGTCCCCAG[C>T]TGTCCAAGCTGTTCTGCTCCCTCTCACCTTCTTCTGCTGCCACCACCAGGGAGGCTGGAA-3'
Protein context (NP_000410.2, residues 796-816): EGEREQNSLD[Ser806Asn]WGPKVEHTYE